The following is an entry in ClinVar:

ClinVar aggregate classification (germline): Likely benign. Review status: criteria provided, multiple submitters, no conflicts (2 of 4 stars). 3 submissions from 3 submitters: Likely benign (3). Last evaluated 2025-10-02.

Allele frequency attached by ClinVar (database versions not stated): ExAC 0.00012; gnomAD 0.00013 and 0.00014; gnomAD exomes 0.00014; TOPMed 0.00015; 1000 Genomes Project 30x 0.00016; 1000 Genomes Project 0.00020; ESP Exome Variant Server 0.00023.
gnomAD v4.1: 125 of 1,614,052 alleles (0.0077%); highest among the groups gnomAD compares: Middle Eastern, 0.59%; 1 homozygote.

Submissions (3):

Labcorp Genetics (formerly Invitae), Labcorp
Classification: Likely benign. Last evaluated: 2025-10-02. Review status: criteria provided, single submitter. Criteria: Invitae Variant Classification Sherloc (09022015). Collection method: clinical testing. Allele origin: germline.

Blueprint Genetics
Classification: Likely benign. Last evaluated: 2024-11-13. Review status: criteria provided, single submitter. Criteria: ACMG Guidelines, 2015. Collection method: clinical testing. Allele origin: germline.

CeGaT Center for Human Genetics Tuebingen
Classification: Likely benign. Last evaluated: 2022-07-01. Review status: criteria provided, single submitter. Criteria: CeGaT Center For Human Genetics Tuebingen Variant Classification Criteria Version 2. Collection method: clinical testing. Allele origin: germline. Affected: yes. Observed: 2 variant alleles.
Comment: C2CD3: BP4, BP7

NM_001286577.2(C2CD3):c.840G>A (p.Gln280=)

Genes: C2CD3 (C2 domain containing 3 centriole elongation regulator; minus strand), LOC121392929 (Sharpr-MPRA regulatory region 9619; plus strand). Cytogenetic location: 11q13.4.
Variant type: single nucleotide variant.
Coding change: c.840G>A on transcript NM_001286577.2 (MANE Select); coding-DNA position 840, G replaced by A.
Protein change: p.Gln280=; no amino-acid change (glutamine 280 retained).
Molecular consequence: synonymous variant.
Genome position (GRCh38, 1-based): chr11:74,138,835, C>T on the plus strand (G>A on the coding strand, the complement: C2CD3 is on the minus strand). VCF-style: chr11-74138835-C-T. GRCh37 (hg19) VCF-style: chr11-73849880-C-T.
Other names: c.840G>A, p.Gln280= (NM_015531.6).
Identifiers: ClinVar variation 714412 (VCV000714412.33), dbSNP rs139995248, ClinGen allele CA6183116.